The following is an entry in ClinVar:

NM_001111125.3(IQSEC2):c.2297+13C>T

Gene: IQSEC2 (IQ motif and Sec7 domain ArfGEF 2; minus strand). Cytogenetic location: Xp11.22.
Variant type: single nucleotide variant.
Coding change: c.2297+13C>T on transcript NM_001111125.3 (MANE Select); 13 bases into the intron after coding-DNA position 2297, C replaced by T.
Molecular consequence: intron variant.
Genome position (GRCh38, 1-based): chrX:53,250,266, G>A on the plus strand (C>T on the coding strand, the complement: IQSEC2 is on the minus strand). VCF-style: chrX-53250266-G-A. GRCh37 (hg19) VCF-style: chrX-53279448-G-A.
Other names: c.1682+13C>T (NM_015075.2).
Identifiers: ClinVar variation 384937 (VCV000384937.9), dbSNP rs782625023, ClinGen allele CA10419959.

ClinVar aggregate classification (germline): Likely benign. Review status: criteria provided, multiple submitters, no conflicts (2 of 4 stars). 2 submissions from 2 submitters: Likely benign (2). Last evaluated 2025-10-30.

Conditions:
Intellectual developmental disorder, X-linked 1. Also called: Intellectual disability, X-linked 1; Atkin Flaitz Patil Smith syndrome; MENTAL RETARDATION, X-LINKED 18; MENTAL RETARDATION, X-LINKED 78. Identifiers: Orphanet 777, MedGen C2931498, MONDO:0010656, OMIM 309530.

Allele frequency attached by ClinVar (database versions not stated): gnomAD exomes 0.00002; TOPMed 0.00002; gnomAD 0.00003 and 0.00002; ExAC 0.00001.
gnomAD v4.1: 6 of 1,208,027 alleles (0.0005%); highest among the groups gnomAD compares: East Asian, 0.0089%; no homozygotes.

Submissions (2):

Labcorp Genetics (formerly Invitae), Labcorp
Classification: Likely benign for Intellectual developmental disorder, X-linked 1. Last evaluated: 2025-10-30. Review status: criteria provided, single submitter. Criteria: Invitae Variant Classification Sherloc (09022015). Collection method: clinical testing. Allele origin: germline.

GeneDx
Classification: Likely benign. Last evaluated: 2016-03-29. Review status: criteria provided, single submitter. Criteria: GeneDx Variant Classification (06012015). Collection method: clinical testing. Allele origin: germline. Affected: yes.
Comment: This variant is considered likely benign or benign based on one or more of the following criteria: it is a conservative change, it occurs at a poorly conserved position in the protein, it is predicted to be benign by multiple in silico algorithms, and/or has population frequency not consistent with disease.